The following is an entry in ClinVar:

ClinVar aggregate classification (germline): Likely pathogenic (1 of 4 stars; one submission).

Conditions:
Patterned macular dystrophy 1. Also called: BUTTERFLY DYSTROPHY OF RETINAL PIGMENT EPITHELIUM; MACULAR DYSTROPHY, BUTTERFLY-SHAPED PIGMENTARY. Identifiers: Orphanet 99001, MedGen C4551999, MONDO:0008210, OMIM 169150.

Submission:

CGC Genetics, Unilabs
Classification: Likely pathogenic for Patterned macular dystrophy 1. Last evaluated: 2025-04-09. Review status: criteria provided, single submitter. Criteria: ACMG Guidelines, 2015. Collection method: clinical testing. Allele origin: germline. Inheritance: Autosomal dominant inheritance. Affected: yes. Observed: 1 variant allele.
Comment: The NM_000322.5:c.371dup p.(Ser125Leufs*52) variant, detected in heterozygosity in the PRPH2 gene (chr.6), has not been described in the literature, nor in the ClinVar or gnomAD databases. It is a frameshift variant, located in exon 1 (of 3 exons), which introduces a premature stop codon, which in turn is expected to lead to the creation of a truncated protein and/or a reduction in its expression due to mRNA degradation. With the currently available information, this should be classified as a likely pathogenic variant.

NM_000322.5(PRPH2):c.371dup (p.Ser125fs)

Gene: PRPH2 (peripherin 2; minus strand). Cytogenetic location: 6p21.1.
Variant type: Duplication.
Coding change: c.371dup on transcript NM_000322.5 (MANE Select); coding-DNA position 371, one base duplicated (G; older notation c.371dupG).
Protein change: p.Ser125fs; shifts the reading frame from serine 125.
Molecular consequence: frameshift variant.
Genome position (GRCh38, 1-based): chr6:42,721,964, C duplicated on the plus strand (G on the coding strand, the reverse complement: PRPH2 is on the minus strand); the first of 4 consecutive C bases (chr6:42,721,964-42,721,967); duplicating any one gives the same sequence. VCF-style (leftmost placement, unchanged base first): chr6-42721963-G-GC. GRCh37 (hg19) VCF-style: chr6-42689701-G-GC.
Other names: short protein forms S125fs.
Identifiers: ClinVar variation 3900653 (VCV003900653.1).
Genomic context (GRCh38, chr6:42,721,963, plus strand): 5'-TGTGTCCCGGTAGTACTTCATGCCGTTCTTGAGCCCTTGGCCCAGGGTGTTCTCCAGCGA[G>GC]CCCCGAAGCAGAAAGCAGCAGAGAGCCACAAGGAAGAGGATGATGTTGAAGAGAACACAG-3'